The following is an entry in ClinVar:

NM_003482.4(KMT2D):c.11573A>G (p.Gln3858Arg)

Gene: KMT2D (lysine methyltransferase 2D; minus strand). Cytogenetic location: 12q13.12.
Variant type: single nucleotide variant.
Coding change: c.11573A>G on transcript NM_003482.4 (MANE Select); coding-DNA position 11573, A replaced by G.
Protein change: p.Gln3858Arg; replaces glutamine 3858 with arginine.
Molecular consequence: missense variant.
Genome position (GRCh38, 1-based): chr12:49,033,132, T>C on the plus strand (A>G on the coding strand, the complement: KMT2D is on the minus strand). VCF-style: chr12-49033132-T-C. GRCh37 (hg19) VCF-style: chr12-49426915-T-C.
Other names: short protein forms Q3858R.
Identifiers: ClinVar variation 4801204 (VCV004801204.1).

ClinVar aggregate classification (germline): Uncertain significance (1 of 4 stars; one submission).

Conditions:
Kabuki syndrome. Also called: NIIKAWA-KUROKI SYNDROME; Kabuki make-up syndrome. Identifiers: Orphanet 2322, MedGen C0796004, MONDO:0016512.

gnomAD v4.1: 1 of 1,551,500 alleles (0.000064%); highest among the groups gnomAD compares: Non-Finnish European, 0.000087%; no homozygotes.

Submission:

Labcorp Genetics (formerly Invitae), Labcorp
Classification: Uncertain significance for Kabuki syndrome. Last evaluated: 2025-09-28. Review status: criteria provided, single submitter. Criteria: Invitae Variant Classification Sherloc (09022015). Collection method: clinical testing. Allele origin: germline.
Comment: This sequence change replaces glutamine, which is neutral and polar, with arginine, which is basic and polar, at codon 3858 of the KMT2D protein (p.Gln3858Arg). This variant is not present in population databases (gnomAD no frequency). This variant has not been reported in the literature in individuals affected with KMT2D-related conditions. Invitae Evidence Modeling of protein sequence and biophysical properties (such as structural, functional, and spatial information, amino acid conservation, physicochemical variation, residue mobility, and thermodynamic stability) indicates that this missense variant is not expected to disrupt KMT2D protein function with a negative predictive value of 95%. In summary, the available evidence is currently insufficient to determine the role of this variant in disease. Therefore, it has been classified as a Variant of Uncertain Significance.